The following is an entry in ClinVar:

NM_004364.5(CEBPA):c.815G>C (p.Gly272Ala)

Gene: CEBPA (CCAAT enhancer binding protein alpha; minus strand). Cytogenetic location: 19q13.11.
Variant type: single nucleotide variant.
Coding change: c.815G>C on transcript NM_004364.5 (MANE Select); coding-DNA position 815, G replaced by C.
Protein change: p.Gly272Ala; replaces glycine 272 with alanine.
Molecular consequence: missense variant.
Genome position (GRCh38, 1-based): chr19:33,301,600, C>G on the plus strand (G>C on the coding strand, the complement: CEBPA is on the minus strand). VCF-style: chr19-33301600-C-G. GRCh37 (hg19) VCF-style: chr19-33792506-C-G.
Other names: c.458G>C, p.Gly153Ala (NM_001285829.2); c.920G>C, p.Gly307Ala (NM_001287424.2); c.773G>C, p.Gly258Ala (NM_001287435.2); short protein forms G258A, G153A, G272A, G307A.
Identifiers: ClinVar variation 2963891 (VCV002963891.5), dbSNP rs1162467731, ClinGen allele CA405274157.

ClinVar aggregate classification (germline): Uncertain significance. Review status: criteria provided, multiple submitters, no conflicts (2 of 4 stars). 3 submissions from 3 submitters: Uncertain significance (3). Last evaluated 2025-05-27.

Conditions:
Acute myeloid leukemia (AML). Also called: Acute myeloid leukemia, adult; AML adult; Acute non-lymphocytic leukemia; Acute granulocytic leukemia; Leukemia, acute myeloid, somatic; Leukemia, acute myelogenous, somatic. Identifiers: Orphanet 519, MedGen C0023467, MeSH D015470, MONDO:0018874, OMIM 601626, HP:0004808. Disease mechanism: Constitutively activated FLT3.
Inborn genetic diseases. Identifiers: MedGen C0950123, MeSH D030342.

Submissions (3):

Ambry Genetics
Classification: Uncertain significance for Inborn genetic diseases. Last evaluated: 2025-05-27. Review status: criteria provided, single submitter. Criteria: Ambry Variant Classification Scheme 2023. Collection method: clinical testing. Allele origin: germline.
Comment: The p.G272A variant (also known as c.815G>C), located in coding exon 1 of the CEBPA gene, results from a G to C substitution at nucleotide position 815. The glycine at codon 272 is replaced by alanine, an amino acid with similar properties. This amino acid position is conserved. In addition, this alteration is predicted to be tolerated by in silico analysis. Based on the available evidence, the clinical significance of this variant remains unclear.

Baylor Genetics
Classification: Uncertain significance for Acute myeloid leukemia. Last evaluated: 2023-12-11. Review status: criteria provided, single submitter. Criteria: ACMG Guidelines, 2015. Collection method: clinical testing. Allele origin: unknown.

Labcorp Genetics (formerly Invitae), Labcorp
Classification: Uncertain significance for Acute myeloid leukemia. Last evaluated: 2023-07-10. Review status: criteria provided, single submitter. Criteria: Invitae Variant Classification Sherloc (09022015). Collection method: clinical testing. Allele origin: germline.
Comment: This sequence change replaces glycine, which is neutral and non-polar, with alanine, which is neutral and non-polar, at codon 272 of the CEBPA protein (p.Gly272Ala). This variant is not present in population databases (gnomAD no frequency). This variant has not been reported in the literature in individuals affected with CEBPA-related conditions. Advanced modeling of protein sequence and biophysical properties (such as structural, functional, and spatial information, amino acid conservation, physicochemical variation, residue mobility, and thermodynamic stability) performed at Invitae indicates that this missense variant is not expected to disrupt CEBPA protein function. In summary, the available evidence is currently insufficient to determine the role of this variant in disease. Therefore, it has been classified as a Variant of Uncertain Significance.